The following is an entry in ClinVar:

ClinVar aggregate classification (germline): Conflicting classifications of pathogenicity. Review status: criteria provided, conflicting classifications (1 of 4 stars). 12 submissions from 11 submitters: Uncertain significance (2); Benign (5); Likely benign (3). 2 of the submissions do not count toward it. Last evaluated 2026-06-01.

Conditions:
Retinitis pigmentosa (RP). Identifiers: Orphanet 791, MedGen C0035334, MeSH D012174, MONDO:0019200, OMIM 268000. Inheritance: Autosomal dominant, autosomal recessive and X linked inheritance.
Bardet-Biedl syndrome (BBS). Identifiers: Orphanet 110, MedGen C0752166, MONDO:0015229.
Bardet-Biedl syndrome 8 (BBS8). Identifiers: Orphanet 110, MedGen C1859566, MONDO:0014436, OMIM 615985.

Allele frequency attached by ClinVar (database versions not stated): gnomAD 0.00272 and 0.00350; TOPMed 0.00300; ESP Exome Variant Server 0.00315; gnomAD exomes 0.00464 and 0.00537; ExAC 0.00595; 1000 Genomes Project 30x 0.00703; 1000 Genomes Project 0.00719.
gnomAD v4.1: 7,333 of 1,614,074 alleles (0.45%); highest among the groups gnomAD compares: South Asian, 2.3%; 76 homozygotes.

Submissions (12):

CeGaT Center for Human Genetics Tuebingen
Classification: Benign. Last evaluated: 2026-06-01. Review status: criteria provided, single submitter. Criteria: CeGaT Center For Human Genetics Tuebingen Variant Classification Criteria Version 2. Collection method: clinical testing. Allele origin: germline. Affected: yes. Observed: 7 variant alleles.
Comment: TTC8: BS1, BS2

Labcorp Genetics (formerly Invitae), Labcorp
Classification: Benign for Bardet-Biedl syndrome. Last evaluated: 2026-01-28. Review status: criteria provided, single submitter. Criteria: Invitae Variant Classification Sherloc (09022015). Collection method: clinical testing. Allele origin: germline.

Blueprint Genetics
Classification: Likely benign. Last evaluated: 2024-11-27. Review status: criteria provided, single submitter. Criteria: ACMG Guidelines, 2015. Collection method: clinical testing. Allele origin: germline.

Women's Health and Genetics/Laboratory Corporation of America, LabCorp
Classification: Likely benign. Last evaluated: 2021-12-10. Review status: criteria provided, single submitter. Criteria: LabCorp Variant Classification Summary - May 2015. Collection method: clinical testing. Allele origin: germline.

MAGI'S LAB - Medical Genetics Laboratory, MAGI GROUP
Classification: Uncertain significance for Bardet-Biedl syndrome. Last evaluated: 2018-10-01. Review status: criteria provided, single submitter. Criteria: ACMG Guidelines, 2015. Collection method: clinical testing. Allele origin: germline. Affected: yes.

Illumina Laboratory Services, Illumina
Classification: Likely benign for Retinitis pigmentosa. Last evaluated: 2018-01-13. Review status: criteria provided, single submitter. Criteria: ICSL Variant Classification Criteria 13 December 2019. Collection method: clinical testing. Allele origin: germline.
Comment: This variant was observed in the ICSL laboratory as part of a predisposition screen in an ostensibly healthy population. It had not been previously curated by ICSL or reported in the Human Gene Mutation Database (HGMD: prior to June 1st, 2018), and was therefore a candidate for classification through an automated scoring system. Utilizing variant allele frequency, disease prevalence and penetrance estimates, and inheritance mode, an automated score was calculated to assess if this variant is too frequent to cause the disease. Based on the score and internal cut-off values, a variant classified as likely benign is not then subjected to further curation. The score for this variant resulted in a classification of likely benign for this disease.

Illumina Laboratory Services, Illumina
Classification: Benign for Bardet-Biedl syndrome 8. Last evaluated: 2018-01-13. Review status: criteria provided, single submitter. Criteria: ICSL Variant Classification Criteria 13 December 2019. Collection method: clinical testing. Allele origin: germline.
Comment: This variant was observed in the ICSL laboratory as part of a predisposition screen in an ostensibly healthy population. It had not been previously curated by ICSL or reported in the Human Gene Mutation Database (HGMD: prior to June 1st, 2018), and was therefore a candidate for classification through an automated scoring system. Utilizing variant allele frequency, disease prevalence and penetrance estimates, and inheritance mode, an automated score was calculated to assess if this variant is too frequent to cause the disease. Based on the score and internal cut-off values, a variant classified as benign is not then subjected to further curation. The score for this variant resulted in a classification of benign for this disease.

Eurofins Ntd Llc (ga)
Classification: Benign. Last evaluated: 2014-11-21. Review status: criteria provided, single submitter. Criteria: EGL Classification Definitions 2015. Collection method: clinical testing. Allele origin: germline. Observed: 1 variant allele, 1 heterozygote.

Molecular Endocrinology Laboratory, Christian Medical College
Classification: Uncertain significance for Bardet-Biedl syndrome 8. Review status: criteria provided, single submitter. Criteria: ACMG Guidelines, 2015. Collection method: clinical testing. Allele origin: germline. Affected: yes.

PreventionGenetics, part of Exact Sciences
Classification: Benign. Review status: criteria provided, single submitter. Criteria: ACMG Guidelines, 2015. Collection method: clinical testing. Allele origin: germline.

Clinical Genetics, Academic Medical Center
Classification: Benign. Review status: no assertion criteria provided. Collection method: clinical testing. Allele origin: germline. Affected: yes. Study: VKGL Data-share Consensus. Not counted in ClinVar's aggregate classification.

Genome Diagnostics Laboratory, University Medical Center Utrecht
Classification: Likely benign. Review status: no assertion criteria provided. Collection method: clinical testing. Allele origin: germline. Affected: yes. Study: VKGL Data-share Consensus. Not counted in ClinVar's aggregate classification.

Literature cited by the submitters: PubMed 14520415 (cited by MAGI'S LAB - Medical Genetics Laboratory, MAGI GROUP).

NM_144596.4(TTC8):c.284A>G (p.Lys95Arg)

Gene: TTC8 (tetratricopeptide repeat domain 8; plus strand). Cytogenetic location: 14q31.3.
Variant type: single nucleotide variant.
Coding change: c.284A>G on transcript NM_144596.4 (MANE Select); coding-DNA position 284, A replaced by G.
Protein change: p.Lys95Arg; replaces lysine 95 with arginine.
Molecular consequence: missense variant. On other transcripts: 5 prime UTR variant (2), non-coding transcript variant (1).
Genome position (GRCh38, 1-based): chr14:88,840,883, A>G. VCF-style: chr14-88840883-A-G. GRCh37 (hg19) VCF-style: chr14-89307227-A-G.
Other names: c.254A>G, p.Lys85Arg (NM_198309.3, NM_001288781.1, NM_001366535.2 and 2 more transcripts); c.-309A>G (NM_001288782.1); c.-404A>G (NM_001288783.1); short protein forms K95R, K85R.
Identifiers: ClinVar variation 196600 (VCV000196600.48), dbSNP rs150880478, ClinGen allele CA202465.
Genomic context (GRCh38, chr14:88,840,883, plus strand): 5'-AATAGATAATATATAAATTGTATTAGCCATCTTGTCTCCTAGGCCCTGGAACGTCTTTGA[A>G]ACTCCCTGGAACTAATCAGACAGGAGGGCCTAGCCAGGCCGTTAGGTATGTACTTCTGCT-3'
Protein context (NP_653197.2, residues 85-105): AQVPRPGTSL[Lys95Arg]LPGTNQTGGP